The following is an entry in ClinVar:

NM_004656.4(BAP1):c.523C>T (p.Pro175Ser)

Gene: BAP1 (BRCA1 associated deubiquitinase 1; minus strand). Cytogenetic location: 3p21.1.
Variant type: single nucleotide variant.
Coding change: c.523C>T on transcript NM_004656.4 (MANE Select); coding-DNA position 523, C replaced by T.
Protein change: p.Pro175Ser; replaces proline 175 with serine.
Molecular consequence: missense variant.
Genome position (GRCh38, 1-based): chr3:52,407,231, G>A on the plus strand (C>T on the coding strand, the complement: BAP1 is on the minus strand). VCF-style: chr3-52407231-G-A. GRCh37 (hg19) VCF-style: chr3-52441247-G-A.
Other names: c.523C>T, p.Pro175Ser (NM_001410772.1); short protein forms P175S.
Identifiers: ClinVar variation 3224473 (VCV003224473.3), dbSNP rs2153227808, ClinGen allele CA353109806.

ClinVar aggregate classification (germline): Uncertain significance. Review status: criteria provided, multiple submitters, no conflicts (2 of 4 stars). 2 submissions from 2 submitters: Uncertain significance (2). Last evaluated 2025-01-17.

Conditions:
Hereditary cancer-predisposing syndrome. Also called: Tumor predisposition; Hereditary neoplastic syndrome; Hereditary Cancer Syndrome; Neoplastic Syndromes, Hereditary. Identifiers: Orphanet 140162, MedGen C0027672, MeSH D009386, MONDO:0015356.
BAP1-related tumor predisposition syndrome (TPDS1). Also called: Tumor susceptibility linked to germline BAP1 mutations; BAP1 tumor predisposition syndrome; TUMOR PREDISPOSITION SYNDROME 1; COMMON Syndrome. Identifiers: Orphanet 289539, MedGen C3280492, MONDO:0013692, OMIM 614327.

Submissions (2):

Labcorp Genetics (formerly Invitae), Labcorp
Classification: Uncertain significance for BAP1-related tumor predisposition syndrome. Last evaluated: 2025-01-17. Review status: criteria provided, single submitter. Criteria: Invitae Variant Classification Sherloc (09022015). Collection method: clinical testing. Allele origin: germline.
Comment: This sequence change replaces proline, which is neutral and non-polar, with serine, which is neutral and polar, at codon 175 of the BAP1 protein (p.Pro175Ser). This variant is not present in population databases (gnomAD no frequency). This variant has not been reported in the literature in individuals affected with BAP1-related conditions. ClinVar contains an entry for this variant (Variation ID: 3224473). Invitae Evidence Modeling of protein sequence and biophysical properties (such as structural, functional, and spatial information, amino acid conservation, physicochemical variation, residue mobility, and thermodynamic stability) indicates that this missense variant is expected to disrupt BAP1 protein function with a positive predictive value of 80%. In summary, the available evidence is currently insufficient to determine the role of this variant in disease. Therefore, it has been classified as a Variant of Uncertain Significance.

Ambry Genetics
Classification: Uncertain significance for Hereditary cancer-predisposing syndrome. Last evaluated: 2023-10-25. Review status: criteria provided, single submitter. Criteria: Ambry Variant Classification Scheme 2023. Collection method: clinical testing. Allele origin: germline.
Comment: The p.P175S variant (also known as c.523C>T), located in coding exon 7 of the BAP1 gene, results from a C to T substitution at nucleotide position 523. The proline at codon 175 is replaced by serine, an amino acid with similar properties. This amino acid position is highly conserved in available vertebrate species. In addition, this alteration is predicted to be deleterious by in silico analysis. Since supporting evidence is limited at this time, the clinical significance of this alteration remains unclear.